The following is an entry in ClinVar:

ClinVar aggregate classification (germline): Likely benign (1 of 4 stars; one submission).

Conditions:
BCKDHA-related disorder. Also called: BCKDHA-related condition.

gnomAD v4.1: 29 of 1,612,212 alleles (0.0018%); highest among the groups gnomAD compares: Non-Finnish European, 0.0024%; no homozygotes.

Submission:

PreventionGenetics, part of Exact Sciences
Classification: Likely benign for BCKDHA-related condition. Last evaluated: 2025-12-10. Review status: criteria provided, single submitter. Criteria: ACMG Guidelines, 2015. Collection method: clinical testing. Allele origin: germline.
Comment: This variant is classified as likely benign based on ACMG/AMP sequence variant interpretation guidelines (Richards et al. 2015 PMID: 25741868, with internal and published modifications).

NM_000709.4(BCKDHA):c.376-9C>A

Gene: BCKDHA (branched chain keto acid dehydrogenase E1 subunit alpha; plus strand). Cytogenetic location: 19q13.2.
Variant type: single nucleotide variant.
Coding change: c.376-9C>A on transcript NM_000709.4 (MANE Select); 9 bases into the intron before coding-DNA position 376, C replaced by A.
Molecular consequence: intron variant.
Genome position (GRCh38, 1-based): chr19:41,414,040, C>A. VCF-style: chr19-41414040-C-A. GRCh37 (hg19) VCF-style: chr19-41919945-C-A.
Other names: c.376-9C>A (NM_001164783.2).
Identifiers: ClinVar variation 4981851 (VCV004981851.1).